The following is an entry in ClinVar:

NM_015474.4(SAMHD1):c.861T>A (p.Tyr287Ter)

Gene: SAMHD1 (SAM and HD domain containing deoxynucleoside triphosphate triphosphohydrolase 1; minus strand). Cytogenetic location: 20q11.23.
Variant type: single nucleotide variant.
Coding change: c.861T>A on transcript NM_015474.4 (MANE Select); coding-DNA position 861, T replaced by A.
Protein change: p.Tyr287Ter; replaces tyrosine 287 with a stop codon.
Molecular consequence: nonsense.
Genome position (GRCh38, 1-based): chr20:36,917,041, A>T on the plus strand (T>A on the coding strand, the complement: SAMHD1 is on the minus strand). VCF-style: chr20-36917041-A-T. GRCh37 (hg19) VCF-style: chr20-35545444-A-T.
Other names: c.861T>A, p.Tyr287Ter (NM_001363729.2, NM_001363733.2); short protein forms Y287*.
Identifiers: ClinVar variation 1459871 (VCV001459871.8), dbSNP rs752962934, ClinGen allele CA408845733.

ClinVar aggregate classification (germline): Pathogenic/Likely pathogenic. Review status: criteria provided, multiple submitters, no conflicts (2 of 4 stars). 2 submissions from 2 submitters: Pathogenic (1); Likely pathogenic (1). Last evaluated 2025-05-20.

Conditions:
Aicardi-Goutieres syndrome 5. Identifiers: Orphanet 51, MedGen C2749659, MONDO:0013059, OMIM 612952.
SAMHD1-related type 1 interferonopathy. Identifiers: MedGen CN377546, MONDO:0700260.

gnomAD v4.1: 11 of 1,611,934 alleles (0.00068%); highest among the groups gnomAD compares: Non-Finnish European, 0.00093%; no homozygotes.

Submissions (2):

Dasa
Classification: Likely pathogenic for SAMHD1-related type 1 interferonopathy. Last evaluated: 2025-05-20. Review status: criteria provided, single submitter. Criteria: DASA Assertion Criteria. Collection method: clinical testing. Allele origin: germline.
Comment: NM_015474.4(SAMHD1):c.861T>A (p.Tyr287*) is a nonsense variant in SAMHD1 predicted to introduce a premature termination codon and is predicted to result in an absent or altered protein product. Loss of function is an established disease mechanism for SAMHD1-associated disorders. Also, this variant is rare in population databases. Based on the currently available evidence, this variant is classified as likely pathogenic.

Labcorp Genetics (formerly Invitae), Labcorp
Classification: Pathogenic for Aicardi-Goutieres syndrome 5. Last evaluated: 2021-02-15. Review status: criteria provided, single submitter. Criteria: Invitae Variant Classification Sherloc (09022015). Collection method: clinical testing. Allele origin: germline.
Comment: This sequence change creates a premature translational stop signal (p.Tyr287*) in the SAMHD1 gene. It is expected to result in an absent or disrupted protein product. Loss-of-function variants in SAMHD1 are known to be pathogenic (PMID: 19525956, 22461318). For these reasons, this variant has been classified as Pathogenic. This variant has not been reported in the literature in individuals with SAMHD1-related conditions. This variant is not present in population databases (ExAC no frequency).

Literature cited by the submitters: PubMed 19525956 (cited by Labcorp Genetics (formerly Invitae), Labcorp); PubMed 22461318 (cited by Labcorp Genetics (formerly Invitae), Labcorp).